The following is an entry in ClinVar:

ClinVar aggregate classification (germline): Uncertain significance (1 of 4 stars; one submission).

gnomAD v4.1: 1 of 1,614,112 alleles (0.000062%); highest among the groups gnomAD compares: South Asian, 0.0011%; no homozygotes.

Submission:

GeneDx
Classification: Uncertain significance. Last evaluated: 2024-08-13. Review status: criteria provided, single submitter. Criteria: GeneDx Variant Classification Process June 2021. Collection method: clinical testing. Allele origin: germline. Affected: yes.
Comment: Not observed at significant frequency in large population cohorts (gnomAD); In silico analysis supports that this missense variant has a deleterious effect on protein structure/function; Has not been previously published as pathogenic or benign to our knowledge

NM_006735.4(HOXA2):c.98A>G (p.Gln33Arg)

Gene: HOXA2 (homeobox A2; minus strand). Cytogenetic location: 7p15.2.
Variant type: single nucleotide variant.
Coding change: c.98A>G on transcript NM_006735.4 (MANE Select); coding-DNA position 98, A replaced by G.
Protein change: p.Gln33Arg; replaces glutamine 33 with arginine.
Molecular consequence: missense variant.
Genome position (GRCh38, 1-based): chr7:27,102,403, T>C on the plus strand (A>G on the coding strand, the complement: HOXA2 is on the minus strand). VCF-style: chr7-27102403-T-C. GRCh37 (hg19) VCF-style: chr7-27142022-T-C.
Other names: short protein forms Q33R.
Identifiers: ClinVar variation 3731211 (VCV003731211.1).